The following is an entry in ClinVar:

ClinVar aggregate classification (germline): Uncertain significance (1 of 4 stars; one submission).

Conditions:
Koolen-de Vries syndrome (KDVS). Identifiers: Orphanet 96169, MedGen C1864871, MONDO:0012496, OMIM 610443.

Submission:

Neuberg Centre For Genomic Medicine, NCGM
Classification: Uncertain significance for Koolen-de Vries syndrome. Review status: criteria provided, single submitter. Criteria: ACMG Guidelines, 2015. Collection method: clinical testing. Allele origin: germline. Inheritance: Autosomal dominant inheritance. Affected: yes.
Comment: The missense c.76T>A (p.Ser26Thr) variant in KANSL1 gene has not been reported previously as a pathogenic variant nor as a benign variant, to our knowledge. The p.Ser26Thr variant is absent in gnomAD Exomes. This variant has not been submitted to the ClinVar database. Multiple lines of computational evidence (SIFT - Damaging and MutationTaster - Disease causing) predicts a damaging effect on protein structure and function for this variant. The reference amino acid at this position on KANSL1 gene is predicted as conserved by GERP++ and PhyloP across 100 vertebrates. The amino acid Ser at position 26 is changed to a Thr changing protein sequence and it might alter its composition and physico-chemical properties. For these reasons, this variant has been classified as Variant of Uncertain Significance (VUS).

NM_015443.4(KANSL1):c.76T>A (p.Ser26Thr)

Gene: KANSL1 (KAT8 regulatory NSL complex subunit 1). Cytogenetic location: 17q21.31.
Variant type: single nucleotide variant.
Coding change: c.76T>A on transcript NM_015443.4 (MANE Select); coding-DNA position 76, T replaced by A.
Protein change: p.Ser26Thr; replaces serine 26 with threonine.
Molecular consequence: missense variant. On other transcripts: intron variant (4).
Genome position (GRCh38, 1-based): chr17:46,172,068, A>T on the plus strand (T>A on the coding strand, the complement: KANSL1 is on the minus strand). VCF-style: chr17-46172068-A-T. GRCh37 (hg19) VCF-style: chr17-44249434-A-T.
Other names: c.76T>A, p.Ser26Thr (NM_001379198.1, NM_001405854.1, NM_001405855.1 and 18 more transcripts); c.23+51603T>A (NM_001405885.1, NM_001405884.1, NM_001405883.1 and 1 more transcripts); short protein forms S26T.
Identifiers: ClinVar variation 3731462 (VCV003731462.1).